The following is an entry in ClinVar:

NM_001080472.4(FITM2):c.96G>A (p.Met32Ile)

Gene: FITM2 (fat storage inducing transmembrane protein 2; minus strand). Cytogenetic location: 20q13.12.
Variant type: single nucleotide variant.
Coding change: c.96G>A on transcript NM_001080472.4 (MANE Select); coding-DNA position 96, G replaced by A.
Protein change: p.Met32Ile; replaces methionine 32 with isoleucine.
Molecular consequence: missense variant.
Genome position (GRCh38, 1-based): chr20:44,311,053, C>T on the plus strand (G>A on the coding strand, the complement: FITM2 is on the minus strand). VCF-style: chr20-44311053-C-T. GRCh37 (hg19) VCF-style: chr20-42939693-C-T.
Other names: c.96G>A (NM_001080472.3); short protein forms M32I.
Identifiers: ClinVar variation 1320649 (VCV001320649.29), dbSNP rs148377517, ClinGen allele CA9869663.

ClinVar aggregate classification (germline): Benign/Likely benign. Review status: criteria provided, multiple submitters, no conflicts (2 of 4 stars). 4 submissions from 4 submitters: Benign (1); Likely benign (2). 1 of the submissions does not count toward it. Last evaluated 2026-08-01.

Conditions:
FITM2-related disorder. Also called: FITM2-related condition.

Allele frequency attached by ClinVar (database versions not stated): 1000 Genomes Project 30x 0.00547; 1000 Genomes Project 0.00559; gnomAD 0.00961 and 0.00988; TOPMed 0.01084; gnomAD exomes 0.01105 and 0.01344; ESP Exome Variant Server 0.01226; ExAC 0.01875.
gnomAD v4.1: 20,974 of 1,606,704 alleles (1.3%); highest among the groups gnomAD compares: Middle Eastern, 1.9%; 183 homozygotes.

Submissions (4):

CeGaT Center for Human Genetics Tuebingen
Classification: Benign. Last evaluated: 2026-08-01. Review status: criteria provided, single submitter. Criteria: CeGaT Center For Human Genetics Tuebingen Variant Classification Criteria Version 2. Collection method: clinical testing. Allele origin: germline. Affected: yes. Observed: 9 variant alleles.
Comment: FITM2: BS1, BS2

GeneDx
Classification: Likely benign. Last evaluated: 2024-06-03. Review status: criteria provided, single submitter. Criteria: GeneDx Variant Classification Process June 2021. Collection method: clinical testing. Allele origin: germline. Affected: yes.
Comment: See Variant Classification Assertion Criteria.

Breakthrough Genomics
Classification: Likely benign. Review status: criteria provided, single submitter. Criteria: ACMG Guidelines, 2015. Collection method: not provided. Allele origin: germline. Inheritance: Autosomal recessive inheritance. Affected: yes.

PreventionGenetics, part of Exact Sciences
Classification: Benign for FITM2-related condition. Last evaluated: 2019-06-25. Review status: no assertion criteria provided. Collection method: clinical testing. Allele origin: germline. Not counted in ClinVar's aggregate classification.
Comment: This variant is classified as benign based on ACMG/AMP sequence variant interpretation guidelines (Richards et al. 2015 PMID: 25741868, with internal and published modifications).